The following is an entry in ClinVar:

NM_001349253.2(SCN11A):c.49C>T (p.Arg17Cys)

Gene: SCN11A (sodium voltage-gated channel alpha subunit 11; minus strand). Cytogenetic location: 3p22.2.
Variant type: single nucleotide variant.
Coding change: c.49C>T on transcript NM_001349253.2 (MANE Select); coding-DNA position 49, C replaced by T.
Protein change: p.Arg17Cys; replaces arginine 17 with cysteine.
Molecular consequence: missense variant.
Genome position (GRCh38, 1-based): chr3:38,950,314, G>A on the plus strand (C>T on the coding strand, the complement: SCN11A is on the minus strand). VCF-style: chr3-38950314-G-A. GRCh37 (hg19) VCF-style: chr3-38991805-G-A.
Other names: c.49C>T, p.Arg17Cys (NM_014139.3); short protein forms R17C.
Identifiers: ClinVar variation 2932335 (VCV002932335.3), dbSNP rs547501679, ClinGen allele CA2322791.

ClinVar aggregate classification (germline): Uncertain significance (1 of 4 stars; one submission).

Conditions:
Hereditary sensory and autonomic neuropathy type 7. Also called: Neuropathy, hereditary sensory and autonomic, type VII; HSAN VII. Identifiers: Orphanet 391397, MedGen C3809882, MONDO:0014244, OMIM 615548.
Familial episodic pain syndrome with predominantly lower limb involvement. Also called: Episodic pain syndrome, familial, 3. Identifiers: Orphanet 391384, Orphanet 391392, MedGen C3809899, MONDO:0014247, OMIM 615552.

Allele frequency attached by ClinVar (database versions not stated): gnomAD exomes below 0.00001; gnomAD 0.00001; ExAC 0.00002; 1000 Genomes Project 30x 0.00016; 1000 Genomes Project 0.00020.
gnomAD v4.1: 8 of 1,613,962 alleles (0.0005%); highest among the groups gnomAD compares: African/African-American, 0.0013%; no homozygotes.

Submission:

Labcorp Genetics (formerly Invitae), Labcorp
Classification: Uncertain significance for Familial episodic pain syndrome with predominantly lower limb involvement; Hereditary sensory and autonomic neuropathy type 7. Last evaluated: 2022-11-15. Review status: criteria provided, single submitter. Criteria: Invitae Variant Classification Sherloc (09022015). Collection method: clinical testing. Allele origin: germline.
Comment: This variant has not been reported in the literature in individuals affected with SCN11A-related conditions. Advanced modeling of protein sequence and biophysical properties (such as structural, functional, and spatial information, amino acid conservation, physicochemical variation, residue mobility, and thermodynamic stability) performed at Invitae indicates that this missense variant is not expected to disrupt SCN11A protein function. In summary, the available evidence is currently insufficient to determine the role of this variant in disease. Therefore, it has been classified as a Variant of Uncertain Significance. This variant is present in population databases (rs547501679, gnomAD 0.02%). This sequence change replaces arginine, which is basic and polar, with cysteine, which is neutral and slightly polar, at codon 17 of the SCN11A protein (p.Arg17Cys).